The following is an entry in ClinVar:

ClinVar aggregate classification (germline): Uncertain significance (1 of 4 stars; one submission).

Conditions:
Charcot-Marie-Tooth disease dominant intermediate B (CMTDIB). Also called: Charcot-Marie-Tooth disease dominant intermediate 1; CMT DI1; Charcot-Marie-Tooth disease dominant intermediate I; CHARCOT-MARIE-TOOTH NEUROPATHY, DOMINANT INTERMEDIATE B. Identifiers: Orphanet 100044, Orphanet 228179, MedGen C1847902, MONDO:0011674, OMIM 606482.

Submission:

Labcorp Genetics (formerly Invitae), Labcorp
Classification: Uncertain significance for Charcot-Marie-Tooth disease dominant intermediate B. Last evaluated: 2023-05-24. Review status: criteria provided, single submitter. Criteria: Invitae Variant Classification Sherloc (09022015). Collection method: clinical testing. Allele origin: unknown.
Comment: This variant is a gross deletion of the genomic region encompassing exon(s) 2-21 of the DNM2 gene, which includes the termination codon. This deletion extends beyond the assayed region for this gene and therefore may encompass additional genes. While this deletion is not anticipated to lead to nonsense mediated decay, it is expected to alter mRNA translation or result in a truncated protein product. This variant has not been reported in the literature in individuals affected with DNM2-related conditions. In summary, the available evidence is currently insufficient to determine the role of this variant in disease. Therefore, it has been classified as a Variant of Uncertain Significance.

NC_000019.9:g.(?_10870394)_(10941723_?)del

Genes: DNM2 (dynamin 2; plus strand), MIR199A1 (microRNA 199a-1; minus strand). Cytogenetic location: 19p13.2.
Variant type: Deletion.
Identifiers: ClinVar variation 3248443 (VCV003248443.1).